The following is an entry in ClinVar:

ClinVar aggregate classification (germline): Uncertain significance (1 of 4 stars; one submission).

Conditions:
Charcot-Marie-Tooth disease dominant intermediate E. Also called: CHARCOT-MARIE-TOOTH NEUROPATHY WITH FOCAL SEGMENTAL GLOMERULONEPHRITIS. Identifiers: Orphanet 93114, MedGen C4302667, MONDO:0013758, OMIM 614455.
Focal segmental glomerulosclerosis 5 (FSGS5). Identifiers: Orphanet 656, MedGen C2750475, MONDO:0013191, OMIM 613237.

Submission:

Labcorp Genetics (formerly Invitae), Labcorp
Classification: Uncertain significance for Charcot-Marie-Tooth disease dominant intermediate E; Focal segmental glomerulosclerosis 5. Last evaluated: 2022-07-14. Review status: criteria provided, single submitter. Criteria: Invitae Variant Classification Sherloc (09022015). Collection method: clinical testing. Allele origin: germline.
Comment: This variant is not present in population databases (gnomAD no frequency). This sequence change replaces alanine, which is neutral and non-polar, with glycine, which is neutral and non-polar, at codon 656 of the INF2 protein (p.Ala656Gly). This variant has not been reported in the literature in individuals affected with INF2-related conditions. In summary, the available evidence is currently insufficient to determine the role of this variant in disease. Therefore, it has been classified as a Variant of Uncertain Significance. Advanced modeling of protein sequence and biophysical properties (such as structural, functional, and spatial information, amino acid conservation, physicochemical variation, residue mobility, and thermodynamic stability) performed at Invitae indicates that this missense variant is expected to disrupt INF2 protein function.

NM_022489.4(INF2):c.1967C>G (p.Ala656Gly)

Gene: INF2 (inverted formin 2; plus strand). Cytogenetic location: 14q32.33.
Variant type: single nucleotide variant.
Coding change: c.1967C>G on transcript NM_022489.4 (MANE Select); coding-DNA position 1967, C replaced by G.
Protein change: p.Ala656Gly; replaces alanine 656 with glycine.
Molecular consequence: missense variant.
Genome position (GRCh38, 1-based): chr14:104,709,298, C>G. VCF-style: chr14-104709298-C-G. GRCh37 (hg19) VCF-style: chr14-105175635-C-G.
Other names: c.1967C>G, p.Ala656Gly (NM_001031714.4); short protein forms A656G.
Identifiers: ClinVar variation 1969538 (VCV001969538.5), dbSNP rs1401441980, ClinGen allele CA391219486.